The following is an entry in ClinVar:

NM_181789.4(GLDN):c.1525_1529del (p.Asp509fs)

Gene: GLDN (gliomedin; plus strand). Cytogenetic location: 15q21.2.
Variant type: Deletion.
Coding change: c.1525_1529del on transcript NM_181789.4 (MANE Select); coding-DNA positions 1525 to 1529, 5 bases deleted (GATTT; older notation c.1525_1529delGATTT).
Protein change: p.Asp509fs; shifts the reading frame from aspartic acid 509.
Molecular consequence: frameshift variant.
Genome position (GRCh38, 1-based): chr15:51,404,623-51,404,627, GATTT deleted; deleting any 5 consecutive bases within chr15:51,404,620-51,404,627 gives the same sequence; the c. name uses the placement nearest the transcript's 3' end. VCF-style (leftmost placement, unchanged base first): chr15-51404619-CTTTGA-C. GRCh37 (hg19) VCF-style: chr15-51696816-CTTTGA-C.
Other names: c.1153_1157del, p.Asp385fs (NM_001330297.2); short protein forms D385fs, D509fs.
Identifiers: ClinVar variation 3336674 (VCV003336674.1).
Genomic context (GRCh38, chr15:51,404,619, plus strand): 5'-CAAAGATATGAGGGTCACATTTGCCTTTGATTTGTTAGGAGGGAAACAGATCAATGCAAA[CTTTGA>C]TTTAAGAACTTCCCAGTCTGTTCTTGCCATGTTAGCATACAACATGAGAGATCAGCATTT-3'

ClinVar aggregate classification (germline): Likely pathogenic (1 of 4 stars; one submission).

Conditions:
Lethal congenital contracture syndrome 11 (LCCS11). Identifiers: MedGen C4310670, MONDO:0014965, OMIM 617194.

Submission:

Igenomix - Part of Vitrolife Group, Igenomix
Classification: Likely pathogenic for Lethal congenital contracture syndrome 11. Review status: criteria provided, single submitter. Criteria: ACMG Guidelines, 2015. Collection method: clinical testing. Allele origin: germline. Inheritance: Autosomal recessive inheritance. Affected: no. Observed: 2 variant alleles.
Comment: The GLDN variant (p.Asp509Lysfs*78) is predicted to result in frameshift and prolonged protein. The original stop codon is lost, and this results in the addition of 33 amino acids additional to the protein. This variant was found in the general population with an overall allele frequency of 0.000001859 (3/1614056 alleles; 0 homozygotes) in the gnomAD v4.1.0. To our knowledge, no experimental evidence demonstrating an impact on protein function has been reported. Based on the evidence outlined above, the variant was classified as uncertain significance. This variant was detected through carrier screening in a couple, in the heterozygous state, who lost a child with lethal congenital contracture syndrome.